The following is an entry in ClinVar:

ClinVar aggregate classification (germline): Uncertain significance (1 of 4 stars; one submission).

Conditions:
Neurofibromatosis, type 1 (NF1). Also called: VON RECKLINGHAUSEN DISEASE; Neurofibromatosis, type I; NEUROFIBROMATOSIS, TYPE I, SOMATIC; Peripheral type neurofibromatosis. Identifiers: Orphanet 636, MedGen C0027831, MONDO:0018975, OMIM 162200. Disease mechanism: loss of function.

Submission:

Labcorp Genetics (formerly Invitae), Labcorp
Classification: Uncertain significance for Neurofibromatosis, type 1. Last evaluated: 2026-01-13. Review status: criteria provided, single submitter. Criteria: Invitae Variant Classification Sherloc (09022015). Collection method: clinical testing. Allele origin: germline.
Comment: This sequence change replaces leucine, which is neutral and non-polar, with glutamine, which is neutral and polar, at codon 1138 of the NF1 protein (p.Leu1138Gln). This variant is not present in population databases (gnomAD no frequency). This variant has not been reported in the literature in individuals affected with NF1-related conditions. Invitae Evidence Modeling of protein sequence and biophysical properties (such as structural, functional, and spatial information, amino acid conservation, physicochemical variation, residue mobility, and thermodynamic stability) indicates that this missense variant is expected to disrupt NF1 protein function with a positive predictive value of 95%. In summary, the available evidence is currently insufficient to determine the role of this variant in disease. Therefore, it has been classified as a Variant of Uncertain Significance.

NM_001042492.3(NF1):c.3413T>A (p.Leu1138Gln)

Gene: NF1 (neurofibromin 1; plus strand). Cytogenetic location: 17q11.2.
Variant type: single nucleotide variant.
Coding change: c.3413T>A on transcript NM_001042492.3 (MANE Select); coding-DNA position 3413, T replaced by A.
Protein change: p.Leu1138Gln; replaces leucine 1138 with glutamine.
Molecular consequence: missense variant.
Genome position (GRCh38, 1-based): chr17:31,232,798, T>A. VCF-style: chr17-31232798-T-A. GRCh37 (hg19) VCF-style: chr17-29559816-T-A.
Other names: c.3413T>A, p.Leu1138Gln (NM_000267.4); short protein forms L1138Q.
Identifiers: ClinVar variation 4800748 (VCV004800748.1).